The following is an entry in ClinVar:

ClinVar aggregate classification (germline): Uncertain significance (1 of 4 stars; one submission).

Conditions:
Familial renal glucosuria (GLYS). Also called: RENAL GLUCOSURIA, AUTOSOMAL DOMINANT; Familial renal glycosuria. Identifiers: Orphanet 69076, MedGen C3245525, MONDO:0009297, OMIM 233100.

Submission:

MVZ Medizinische Genetik Mainz
Classification: Uncertain significance for Familial renal glucosuria. Last evaluated: 2026-08-26. Review status: criteria provided, single submitter. Criteria: UK Practice Guidelines For Variant Classification V4 01 2020. Collection method: clinical testing. Allele origin: germline. Inheritance: Autosomal dominant inheritance. Affected: yes. Observed: 1 variant allele.
Comment: ACMG Criteria: PP3_MOD,PM2_SUP,PM5_SUP,PP4

NM_003041.4(SLC5A2):c.1444G>A (p.Glu482Lys)

Gene: SLC5A2 (solute carrier family 5 member 2; plus strand). Cytogenetic location: 16p11.2.
Variant type: single nucleotide variant.
Coding change: c.1444G>A on transcript NM_003041.4 (MANE Select); coding-DNA position 1444, G replaced by A.
Protein change: p.Glu482Lys; replaces glutamic acid 482 with lysine.
Molecular consequence: missense variant.
Genome position (GRCh38, 1-based): chr16:31,489,043, G>A. VCF-style: chr16-31489043-G-A. GRCh37 (hg19) VCF-style: chr16-31500364-G-A.
Other names: short protein forms E482K.
Identifiers: ClinVar variation 5010161 (VCV005010161.1).
Genomic context (GRCh38, chr16:31,489,043, plus strand): 5'-TACCTGGCACCGCCCGTGTCCGCCGTCTTCGTGCTGGCGCTCTTCGTGCCGCGCGTTAAT[G>A]AGCAGGTGAGCGGCACGCGCGTGGTGACGGCAGGGCTGGGCTTGCACATCCTCAGCAGGC-3'
Protein context (NP_003032.1, residues 472-492): VLALFVPRVN[Glu482Lys]QGAFWGLIGG